The following is an entry in ClinVar:

NM_020975.6(RET):c.2876G>A (p.Arg959Gln)

Gene: RET (ret proto-oncogene; plus strand). Cytogenetic location: 10q11.21.
Variant type: single nucleotide variant.
Coding change: c.2876G>A on transcript NM_020975.6 (MANE Select); coding-DNA position 2876, G replaced by A.
Protein change: p.Arg959Gln; replaces arginine 959 with glutamine.
Molecular consequence: missense variant.
Genome position (GRCh38, 1-based): chr10:43,123,745, G>A. VCF-style: chr10-43123745-G-A. GRCh37 (hg19) VCF-style: chr10-43619193-G-A.
Other names: c.2876G>A, p.Arg959Gln (NM_000323.2, NM_001406743.1, NM_001406744.1 and 4 more transcripts); c.2114G>A, p.Arg705Gln (NM_001355216.2); c.2747G>A, p.Arg916Gln (NM_001406761.1, NM_001406762.1, NM_001406764.1); c.2741G>A, p.Arg914Gln (NM_001406763.1, NM_001406765.1); c.2588G>A, p.Arg863Gln (NM_001406766.1, NM_001406767.1, NM_001406770.1); c.2612G>A, p.Arg871Gln (NM_001406768.1); c.2480G>A, p.Arg827Gln (NM_001406769.1, NM_001406772.1); c.2438G>A, p.Arg813Gln (NM_001406771.1, NM_001406773.1); and 10 more; short protein forms R959Q, R705Q, R629Q, R717Q, R813Q, R914Q, R476Q, R524Q.
Identifiers: ClinVar variation 299901 (VCV000299901.22), dbSNP rs745650861, ClinGen allele CA041338.

ClinVar aggregate classification (germline): Uncertain significance. Review status: criteria provided, multiple submitters, no conflicts (2 of 4 stars). 10 submissions from 7 submitters: Uncertain significance (10). Last evaluated 2026-02-03.

Conditions:
Hirschsprung disease, susceptibility to, 1 (HSCR1). Also called: RET-Related Hirschsprung Disease. Identifiers: Orphanet 388, MedGen C3888239, MONDO:0007723, OMIM 142623.
Familial medullary thyroid carcinoma (MTC). Also called: Thyroid cancer, familial medullary; MTC, familial; Familial Medullary Thyroid Carcinoma (FMTC). Identifiers: Orphanet 653, Orphanet 99361, MedGen C1833921, MONDO:0007958, OMIM 155240.
Pheochromocytoma. Also called: MAX-Related Hereditary Paraganglioma-Pheochromocytoma Syndrome. Identifiers: Orphanet 29072, MedGen C0031511, MONDO:0008233, OMIM 171300, HP:0002666.
Multiple endocrine neoplasia type 2A. Also called: Multiple Endocrine Neoplasia Type 2A (MEN2A); MULTIPLE ENDOCRINE NEOPLASIA, TYPE IIA; PTC SYNDROME; SIPPLE SYNDROME; MEN 2A; MEN-2A syndrome. Identifiers: Orphanet 247698, Orphanet 653, MedGen C0025268, MeSH D018813, MONDO:0008234, OMIM 171400.
Multiple endocrine neoplasia type 2B. Also called: Multiple endocrine neoplasia, type 3; MEN 2B; MEN IIB; NEUROMATA, MUCOSAL, WITH ENDOCRINE TUMORS; Multiple Endocrine Neoplasia Type 2B (MEN2B); WAGENMANN-FROBOESE SYNDROME. Identifiers: Orphanet 247709, Orphanet 653, MedGen C0025269, MeSH D018814, MONDO:0008082, OMIM 162300.
Renal hypodysplasia/aplasia 1 (RHDA1). Also called: RENAL APLASIA; HEREDITARY RENAL APLASIA. Identifiers: Orphanet 411709, MedGen C1619700, MONDO:0024519, OMIM 191830.
Multiple endocrine neoplasia, type 2 (MEN2). Identifiers: Orphanet 653, MedGen C4048306, MONDO:0019003. Disease mechanism: gain of function.
Multiple endocrine neoplasia. Identifiers: Orphanet 276161, MedGen C0027662, MONDO:0017169.
Hereditary cancer-predisposing syndrome. Also called: Hereditary neoplastic syndrome; Tumor predisposition; Neoplastic Syndromes, Hereditary; Hereditary Cancer Syndrome. Identifiers: Orphanet 140162, MedGen C0027672, MeSH D009386, MONDO:0015356.

Allele frequency attached by ClinVar (database versions not stated): ExAC 0.00001; gnomAD 0.00001; gnomAD exomes 0.00001; TOPMed 0.00003.
gnomAD v4.1: 25 of 1,614,056 alleles (0.0015%); highest among the groups gnomAD compares: Middle Eastern, 0.016%; no homozygotes.

Submissions (10):

Labcorp Genetics (formerly Invitae), Labcorp
Classification: Uncertain significance for Multiple endocrine neoplasia, type 2. Last evaluated: 2026-02-03. Review status: criteria provided, single submitter. Criteria: Invitae Variant Classification Sherloc (09022015). Collection method: clinical testing. Allele origin: germline.
Comment: This sequence change replaces arginine, which is basic and polar, with glutamine, which is neutral and polar, at codon 959 of the RET protein (p.Arg959Gln). This variant is present in population databases (rs745650861, gnomAD 0.009%). This variant has not been reported in the literature in individuals affected with RET-related conditions. ClinVar contains an entry for this variant (Variation ID: 299901). An algorithm developed to predict the effect of missense changes on protein structure and function (PolyPhen-2) suggests that this variant is likely to be disruptive. In summary, the available evidence is currently insufficient to determine the role of this variant in disease. Therefore, it has been classified as a Variant of Uncertain Significance.

Color Diagnostics, LLC DBA Color Health
Classification: Uncertain significance for Multiple endocrine neoplasia, type 2. Last evaluated: 2025-08-29. Review status: criteria provided, single submitter. Criteria: ACMG Guidelines, 2015. Collection method: clinical testing. Allele origin: germline.
Comment: This missense variant replaces arginine with glutamine at codon 959 of the RET protein. Computational prediction is inconclusive regarding the impact of this variant on protein structure and function. To our knowledge, functional studies have not been reported for this variant. This variant has been reported in one individual affected with breast cancer (PMID: 27782108). This variant has been identified in 3/251454 chromosomes in the general population by the Genome Aggregation Database (gnomAD). The available evidence is insufficient to determine the role of this variant in disease conclusively. Therefore, this variant is classified as a Variant of Uncertain Significance.

All of Us Research Program, National Institutes of Health
Classification: Uncertain significance for Multiple endocrine neoplasia, type 2. Last evaluated: 2024-09-23. Review status: criteria provided, single submitter. Criteria: ACMG Guidelines, 2015. Collection method: clinical testing. Allele origin: germline. Inheritance: Autosomal dominant inheritance. Observed: 4 variant alleles, 4 heterozygotes.
Comment: This missense variant replaces arginine with glutamine at codon 959 of the RET protein. Computational prediction is inconclusive regarding the impact of this variant on protein structure and function (internally defined REVEL score threshold 0.5 < inconclusive < 0.7, PMID: 27666373). To our knowledge, functional studies have not been reported for this variant. This variant has been reported in one individual affected with breast cancer (PMID: 27782108). This variant has been identified in 3/251454 chromosomes in the general population by the Genome Aggregation Database (gnomAD). The available evidence is insufficient to determine the role of this variant in disease conclusively. Therefore, this variant is classified as a Variant of Uncertain Significance.

This study involves interpretation of variants in research participants for the purpose of population health screening. Participant phenotype was not available at the time of variant classification. Additional details can be found in publication PMID: 35346344, PMCID: PMC8962531

Ambry Genetics
Classification: Uncertain significance for Hereditary cancer-predisposing syndrome. Last evaluated: 2024-03-12. Review status: criteria provided, single submitter. Criteria: Ambry Variant Classification Scheme 2023. Collection method: clinical testing. Allele origin: germline.
Comment: The p.R959Q variant (also known as c.2876G>A), located in coding exon 17 of the RET gene, results from a G to A substitution at nucleotide position 2876. The arginine at codon 959 is replaced by glutamine, an amino acid with highly similar properties. This amino acid position is highly conserved in available vertebrate species. In addition, the in silico prediction for this alteration is inconclusive. Since supporting evidence is limited at this time, the clinical significance of this alteration remains unclear.

GeneDx
Classification: Uncertain significance. Last evaluated: 2022-10-07. Review status: criteria provided, single submitter. Criteria: GeneDx Variant Classification Process June 2021. Collection method: clinical testing. Allele origin: germline. Affected: yes.
Comment: Not observed at significant frequency in large population cohorts (gnomAD); In silico analysis supports that this missense variant does not alter protein structure/function; Has not been previously published as pathogenic or benign to our knowledge; This variant is associated with the following publications: (PMID: 14633923)

Fulgent Genetics
Classification: Uncertain significance for Hirschsprung disease, susceptibility to, 1; Familial medullary thyroid carcinoma; Multiple endocrine neoplasia type 2B; Pheochromocytoma; Multiple endocrine neoplasia type 2A. Last evaluated: 2022-04-16. Review status: criteria provided, single submitter. Criteria: ACMG Guidelines, 2015. Collection method: clinical testing. Allele origin: unknown.

Illumina Laboratory Services, Illumina
Classification: Uncertain significance for Multiple endocrine neoplasia. Last evaluated: 2018-01-12. Review status: criteria provided, single submitter. Criteria: ICSL Variant Classification Criteria 13 December 2019. Collection method: clinical testing. Allele origin: germline.

Illumina Laboratory Services, Illumina
Classification: Uncertain significance for Renal hypodysplasia/aplasia 1. Last evaluated: 2018-01-12. Review status: criteria provided, single submitter. Criteria: ICSL Variant Classification Criteria 13 December 2019. Collection method: clinical testing. Allele origin: germline.

Illumina Laboratory Services, Illumina
Classification: Uncertain significance for Pheochromocytoma. Last evaluated: 2018-01-12. Review status: criteria provided, single submitter. Criteria: ICSL Variant Classification Criteria 13 December 2019. Collection method: clinical testing. Allele origin: germline.

Illumina Laboratory Services, Illumina
Classification: Uncertain significance for Hirschsprung disease, susceptibility to, 1. Last evaluated: 2018-01-12. Review status: criteria provided, single submitter. Criteria: ICSL Variant Classification Criteria 13 December 2019. Collection method: clinical testing. Allele origin: germline.

Literature cited by the submitters: PubMed 27782108 (cited by Color Diagnostics, LLC DBA Color Health and All of Us Research Program, National Institutes of Health).